The following is an entry in ClinVar:

NM_005085.4(NUP214):c.2509G>A (p.Asp837Asn)

Gene: NUP214 (nucleoporin 214; plus strand). Cytogenetic location: 9q34.13.
Variant type: single nucleotide variant.
Coding change: c.2509G>A on transcript NM_005085.4 (MANE Select); coding-DNA position 2509, G replaced by A.
Protein change: p.Asp837Asn; replaces aspartic acid 837 with asparagine.
Molecular consequence: missense variant.
Genome position (GRCh38, 1-based): chr9:131,159,455, G>A. VCF-style: chr9-131159455-G-A. GRCh37 (hg19) VCF-style: chr9-134034842-G-A.
Other names: c.2479G>A, p.Asp827Asn (NM_001318324.2); short protein forms D827N, D837N.
Identifiers: ClinVar variation 3363328 (VCV003363328.1).

ClinVar aggregate classification (germline): Uncertain significance (1 of 4 stars; one submission).

gnomAD v4.1: 8 of 1,613,936 alleles (0.0005%); highest among the groups gnomAD compares: Non-Finnish European, 0.00059%; no homozygotes.

Submission:

GeneDx
Classification: Uncertain significance. Last evaluated: 2023-10-20. Review status: criteria provided, single submitter. Criteria: GeneDx Variant Classification Process June 2021. Collection method: clinical testing. Allele origin: germline. Affected: yes.
Comment: Not observed at significant frequency in large population cohorts (gnomAD); In silico analysis supports that this missense variant has a deleterious effect on protein structure/function; Has not been previously published as pathogenic or benign to our knowledge